The following is an entry in ClinVar:

NM_000179.3(MSH6):c.4001+48_4001+49insCTAACTGACCTTAAGTTTCAA

Gene: MSH6 (mutS homolog 6; plus strand). Cytogenetic location: 2p16.3.
Variant type: Insertion.
Coding change: c.4001+48_4001+49insCTAACTGACCTTAAGTTTCAA on transcript NM_000179.3 (MANE Select); bases 48 to 49 of the intron after coding-DNA position 4001, CTAACTGACCTTAAGTTTCAA inserted.
Molecular consequence: intron variant.
Genome position: GRCh38 VCF-style: chr2-47806699-C-CCTAACTGACCTTAAGTTTCAA. GRCh37 (hg19) VCF-style: chr2-48033838-C-CCTAACTGACCTTAAGTTTCAA.
Other names: c.3095+48_3095+49insCTAACTGACCTTAAGTTTCAA (NM_001281493.2, NM_001281494.2); c.3611+48_3611+49insCTAACTGACCTTAAGTTTCAA (NM_001281492.2).
Identifiers: ClinVar variation 676725 (VCV000676725.1), dbSNP rs1553333848, ClinGen allele CA1649492.
Genomic context (GRCh38, chr2:47,806,699, plus strand): 5'-TACGATTATTTCGGTAACTAACTAACTATAATGGAATTATAACTAACTGACCTTAAGTTT[C>CCTAACTGACCTTAAGTTTCAA]AAAGAAACAGTAAAAGGGGAAGGGATGATGCACTATGAAAAAACAAAAAAACTTTTTTTT-3'

ClinVar aggregate classification (germline): Likely benign (1 of 4 stars; one submission).

Allele frequency attached by ClinVar (database versions not stated): gnomAD exomes 0.00116; ExAC 0.00130; 1000 Genomes Project 0.00399; gnomAD 0.00512 and 0.00547.

Submission:

GeneDx
Classification: Likely benign. Last evaluated: 2018-06-20. Review status: criteria provided, single submitter. Criteria: GeneDx Variant Classification (06012015). Collection method: clinical testing. Allele origin: germline. Affected: yes.
Comment: This variant is considered likely benign or benign based on one or more of the following criteria: it is a conservative change, it occurs at a poorly conserved position in the protein, it is predicted to be benign by multiple in silico algorithms, and/or has population frequency not consistent with disease.